The following is an entry in ClinVar:

NM_001040716.2(PC):c.3288+1G>T

Gene: PC (pyruvate carboxylase; minus strand). Cytogenetic location: 11q13.2.
Variant type: single nucleotide variant.
Coding change: c.3288+1G>T on transcript NM_001040716.2 (MANE Select); the canonical splice donor site of the intron after coding-DNA position 3288, G replaced by T.
Molecular consequence: splice donor variant.
Genome position (GRCh38, 1-based): chr11:66,849,229, C>A on the plus strand (G>T on the coding strand, the complement: PC is on the minus strand). VCF-style: chr11-66849229-C-A. GRCh37 (hg19) VCF-style: chr11-66616700-C-A.
Other names: c.3288+1G>T (NM_000920.4, NM_022172.3).
Identifiers: ClinVar variation 1075366 (VCV001075366.9), dbSNP rs2135785399, ClinGen allele CA381489830.
Genomic context (GRCh38, chr11:66,849,229, plus strand): 5'-GACATGACATCCTGGGCCCAGCCAAGCCCCACCGCCTGGCTGGCCCTGGGGGAGACAATA[C>A]CTTCATGGCCTGGGTGTCCTTGACCAAGATGGACCGCAGCTGCCCATTGAGCTCAAAGAA-3'

ClinVar aggregate classification (germline): Pathogenic (1 of 4 stars; one submission).

Conditions:
Pyruvate carboxylase deficiency. Also called: PC DEFICIENCY; ATAXIA WITH LACTIC ACIDOSIS II; LEIGH NECROTIZING ENCEPHALOPATHY DUE TO PYRUVATE CARBOXYLASE DEFICIENCY; LEIGH SYNDROME DUE TO PYRUVATE CARBOXYLASE DEFICIENCY; Pyruvate Carboxylase Deficiency Disease. Identifiers: Orphanet 3008, MedGen C0034341, MONDO:0009949, OMIM 266150.

Submission:

Labcorp Genetics (formerly Invitae), Labcorp
Classification: Pathogenic for Pyruvate carboxylase deficiency. Last evaluated: 2020-10-12. Review status: criteria provided, single submitter. Criteria: Invitae Variant Classification Sherloc (09022015). Collection method: clinical testing. Allele origin: germline.
Comment: For these reasons, this variant has been classified as Pathogenic. This variant disrupts the C-terminus of the PC protein. Other variant(s) that disrupt this region (p.Glu1146Glyfs*26) have been determined to be pathogenic (PMID: 23430542, Invitae). This suggests that variants that disrupt this region of the protein are likely to be causative of disease. Nucleotide substitutions within the consensus splice site are a relatively common cause of aberrant splicing (PMID: 17576681, 9536098). Algorithms developed to predict the effect of sequence changes on RNA splicing suggest that this variant may disrupt the consensus splice site, but this prediction has not been confirmed by published transcriptional studies. Disruption of this splice site has been observed in individual(s) with pyruvate carboxylase deficiency (PMID: 23430542). This variant is not present in population databases (ExAC no frequency). This sequence change affects a donor splice site in the last intron (intron 21) of the PC gene. While this is not anticipated to result in nonsense mediated decay, it likely alters RNA splicing and results in a disrupted protein product.

Literature cited by the submitters: PubMed 23430542; PubMed 17576681; PubMed 9536098.